The following is an entry in ClinVar:

ClinVar aggregate classification (germline): Uncertain significance. Review status: criteria provided, multiple submitters, no conflicts (2 of 4 stars). 2 submissions from 2 submitters: Uncertain significance (2). Last evaluated 2025-04-08.

Conditions:
Inborn genetic diseases. Identifiers: MedGen C0950123, MeSH D030342.

Allele frequency attached by ClinVar (database versions not stated): ExAC 0.00008; gnomAD exomes 0.00003; gnomAD 0.00005; TOPMed 0.00004.
gnomAD v4.1: 43 of 1,604,576 alleles (0.0027%); highest among the groups gnomAD compares: Non-Finnish European, 0.0036%; no homozygotes.

Submissions (2):

Ambry Genetics
Classification: Uncertain significance for Inborn genetic diseases. Last evaluated: 2025-04-08. Review status: criteria provided, single submitter. Criteria: Ambry Variant Classification Scheme 2023. Collection method: clinical testing. Allele origin: germline.

Labcorp Genetics (formerly Invitae), Labcorp
Classification: Uncertain significance. Last evaluated: 2022-06-24. Review status: criteria provided, single submitter. Criteria: Invitae Variant Classification Sherloc (09022015). Collection method: clinical testing. Allele origin: germline.
Comment: In summary, the available evidence is currently insufficient to determine the role of this variant in disease. Therefore, it has been classified as a Variant of Uncertain Significance. Algorithms developed to predict the effect of missense changes on protein structure and function are either unavailable or do not agree on the potential impact of this missense change (SIFT: "Tolerated"; PolyPhen-2: "Not Available"; Align-GVGD: "Class C0"). This variant has not been reported in the literature in individuals affected with PCLO-related conditions. This variant is present in population databases (rs746748037, gnomAD 0.01%). This sequence change replaces isoleucine, which is neutral and non-polar, with valine, which is neutral and non-polar, at codon 4271 of the PCLO protein (p.Ile4271Val).

NM_033026.6(PCLO):c.12811A>G (p.Ile4271Val)

Gene: PCLO (piccolo presynaptic cytomatrix protein; minus strand). Cytogenetic location: 7q21.11.
Variant type: single nucleotide variant.
Coding change: c.12811A>G on transcript NM_033026.6 (MANE Select); coding-DNA position 12811, A replaced by G.
Protein change: p.Ile4271Val; replaces isoleucine 4271 with valine.
Molecular consequence: missense variant.
Genome position (GRCh38, 1-based): chr7:82,915,175, T>C on the plus strand (A>G on the coding strand, the complement: PCLO is on the minus strand). VCF-style: chr7-82915175-T-C. GRCh37 (hg19) VCF-style: chr7-82544491-T-C.
Other names: c.12811A>G, p.Ile4271Val (NM_014510.3); c.12811A>G (NM_033026.5); short protein forms I4271V.
Identifiers: ClinVar variation 2193247 (VCV002193247.3), dbSNP rs746748037, ClinGen allele CA4319304.